The following is an entry in ClinVar:

ClinVar aggregate classification (germline): Pathogenic (1 of 4 stars; one submission).

Conditions:
Tumor predisposition syndrome 3 (TPDS3). Also called: Melanoma, cutaneous malignant, susceptibility to, 10; Glioma susceptibility 9; LONG TELOMERE SYNDROME, POT1-RELATED; POT1 Tumor Predisposition. Identifiers: Orphanet 618, MedGen C4014476, MONDO:0014368, OMIM 615848.

Submission:

Labcorp Genetics (formerly Invitae), Labcorp
Classification: Pathogenic for Tumor predisposition syndrome 3. Last evaluated: 2021-07-29. Review status: criteria provided, single submitter. Criteria: Invitae Variant Classification Sherloc (09022015). Collection method: clinical testing. Allele origin: germline.
Comment: For these reasons, this variant has been classified as Pathogenic. This variant has not been reported in the literature in individuals affected with POT1-related conditions. This variant is not present in population databases (ExAC no frequency). This sequence change creates a premature translational stop signal (p.Phe125Hisfs*3) in the POT1 gene. It is expected to result in an absent or disrupted protein product. Loss-of-function variants in POT1 are known to be pathogenic (PMID: 32155570).

Literature cited by the submitters: PubMed 32155570.

NM_015450.3(POT1):c.373_374del (p.Phe125fs)

Gene: POT1 (protection of telomeres 1; minus strand). Cytogenetic location: 7q31.33.
Variant type: Deletion.
Coding change: c.373_374del on transcript NM_015450.3 (MANE Select); coding-DNA positions 373 to 374, 2 bases deleted (TT; older notation c.373_374delTT).
Protein change: p.Phe125fs; shifts the reading frame from phenylalanine 125.
Molecular consequence: frameshift variant. On other transcripts: 5 prime UTR variant (1), non-coding transcript variant (3).
Genome position (GRCh38, 1-based): chr7:124,863,522-124,863,523, AA deleted on the plus strand (TT on the coding strand, the reverse complement: POT1 is on the minus strand). VCF-style (leftmost placement, unchanged base first): chr7-124863521-GAA-G. GRCh37 (hg19) VCF-style: chr7-124503575-GAA-G.
Other names: c.-21_-20del (NM_001042594.2); short protein forms F125fs.
Identifiers: ClinVar variation 665326 (VCV000665326.7), dbSNP rs1584773024, ClinGen allele CA915945505.
Genomic context (GRCh38, chr7:124,863,521, plus strand): 5'-TGACATATGAGTAGATGCCCAAACACGTAAGGCTTCTACCATTTTGTGGTCCTCAGTAGT[GAA>G]GTTAAAATACTTGCTTGAAGTGCGAGGTATGATAGGGGCTCCCAAAGTTCCCTCAAACGT-3'